The following is an entry in ClinVar:

ClinVar aggregate classification (germline): Uncertain significance. Review status: criteria provided, single submitter (1 of 4 stars). 3 submissions from 2 submitters: Uncertain significance (2). 1 of the submissions does not count toward it.

Conditions:
Transitory neonatal diabetes mellitus. Also called: Transient neonatal diabetes mellitus. Identifiers: MedGen C0342273, MONDO:0020525, HP:0008255.
Maturity-onset diabetes of the young (MODY). Also called: Maturity onset diabetes mellitus in young. Identifiers: Orphanet 552, MedGen C0342276, MONDO:0018911, HP:0004904.
Hyperinsulinemic hypoglycemia, familial, 1 (HHF1). Also called: Persistent hyperinsulinemic hypoglycemia of infancy; HYPERINSULINISM, FAMILIAL, WITH PANCREATIC NESIDIOBLASTOSIS; HYPOGLYCEMIA, HYPERINSULINEMIC, OF INFANCY; NESIDIOBLASTOSIS OF PANCREAS; Persistent Hyperinsulinemia Hypoglycemia of Infancy. Identifiers: Orphanet 276575, Orphanet 276598, MedGen C2931832, MONDO:0009734, OMIM 256450.

Submissions (3):

Clinical Genomics, Uppaluri K&H Personalized Medicine Clinic
Classification: Uncertain significance for Maturity-onset diabetes of the young. Review status: criteria provided, single submitter. Criteria: K & H Uppaluri Personalized Medicine Clinic Variant Classification & Assertion Criteria_Updated V.1. Collection method: research. Allele origin: somatic. Inheritance: Somatic mutation.
Comment: Mutations in ABCC8 gene are associated with both neonatal diabetes mellitus as well as MODY. Patients with this mutation may have a better response to sulfonylureas. However, no sufficient evidence is found to ascertain the role of this particular variant ( rs1554903370 ) in MODY yet.

Clinical Genomics, Uppaluri K&H Personalized Medicine Clinic
Classification: Uncertain significance for Transitory neonatal diabetes mellitus. Review status: criteria provided, single submitter. Criteria: K & H Uppaluri Personalized Medicine Clinic Variant Classification & Assertion Criteria_Updated V.1. Collection method: research. Allele origin: somatic. Inheritance: Somatic mutation.
Comment: Mutations in ABCC8 gene are associated with both neonatal diabetes mellitus as well as MODY. Patients with this mutation may have a better response to sulfonylureas. However, no sufficient evidence is found to ascertain the role of this particular variant ( rs1554903370 ) in neonatal diabetes yet.

Counsyl
Classification: Likely pathogenic for Hyperinsulinemic hypoglycemia, familial, 1. Last evaluated: 2017-03-24. Review status: no assertion criteria provided. Collection method: clinical testing. Allele origin: unknown. Not counted in ClinVar's aggregate classification.

Literature cited by the submitters: PubMed 16885549 (cited by Clinical Genomics, Uppaluri K&H Personalized Medicine Clinic); PubMed 21989597 (cited by Clinical Genomics, Uppaluri K&H Personalized Medicine Clinic); PubMed 27538677 (cited by Clinical Genomics, Uppaluri K&H Personalized Medicine Clinic); PubMed 18981553 (cited by Clinical Genomics, Uppaluri K&H Personalized Medicine Clinic); PubMed 32027066 (cited by Clinical Genomics, Uppaluri K&H Personalized Medicine Clinic); PubMed 16613899 (cited by Clinical Genomics, Uppaluri K&H Personalized Medicine Clinic); PubMed 18025408 (cited by Clinical Genomics, Uppaluri K&H Personalized Medicine Clinic); PubMed 32792356 (cited by Clinical Genomics, Uppaluri K&H Personalized Medicine Clinic); PubMed 10400694 (cited by Counsyl).

NM_000352.6(ABCC8):c.4685del (p.Pro1562fs)

Gene: ABCC8 (ATP binding cassette subfamily C member 8; minus strand). Cytogenetic location: 11p15.1.
Variant type: Deletion.
Coding change: c.4685del on transcript NM_000352.6 (MANE Select); coding-DNA position 4685, one base deleted (C; older notation c.4685delC).
Protein change: p.Pro1562fs; shifts the reading frame from proline 1562.
Molecular consequence: frameshift variant. On other transcripts: non-coding transcript variant (1).
Genome position (GRCh38, 1-based): chr11:17,393,052, G deleted on the plus strand (C on the coding strand, the reverse complement: ABCC8 is on the minus strand); the first of 2 consecutive G bases (chr11:17,393,052-17,393,053); deleting either gives the same sequence. VCF-style (leftmost placement, unchanged base first): chr11-17393051-TG-T. GRCh37 (hg19) VCF-style: chr11-17414598-TG-T.
Other names: c.4688del, p.Pro1563fs (NM_001287174.3); c.4751del, p.Pro1584fs (NM_001351295.2); c.4685del, p.Pro1562fs (NM_001351296.2); c.4682del, p.Pro1561fs (NM_001351297.2); short protein forms P1562fs, P1563fs, P1561fs, P1584fs.
Identifiers: ClinVar variation 550926 (VCV000550926.3), dbSNP rs1554903370, ClinGen allele CA658822458.
Genomic context (GRCh38, chr11:17,393,051, plus strand): 5'-TCACTTGTCTGCACGGACGAAGGAGGCGAAGACGCTGTCCTTCCGGCTGAGCAGCTTCTC[TG>T]GCTTATCGAACTCAAGGATGGCACCCCGCTTCAGGACGATCACCAGGTCTGCACTCAGGA-3'